The following is an entry in ClinVar:

ClinVar aggregate classification (germline): Uncertain significance (1 of 4 stars; one submission).

Submission:

Ambry Genetics
Classification: Uncertain significance. Last evaluated: 2024-05-16. Review status: criteria provided, single submitter. Criteria: Ambry Variant Classification Scheme 2023. Collection method: clinical testing. Allele origin: germline.
Comment: The p.L73F variant (also known as c.219A>C), located in coding exon 3 of the BUB1 gene, results from an A to C substitution at nucleotide position 219. The leucine at codon 73 is replaced by phenylalanine, an amino acid with highly similar properties. This amino acid position is conserved. In addition, the in silico prediction for this alteration is inconclusive. Based on the available evidence, the clinical significance of this variant remains unclear.

NM_004336.5(BUB1):c.219A>C (p.Leu73Phe)

Gene: BUB1 (BUB1 mitotic checkpoint serine/threonine kinase; minus strand). Cytogenetic location: 2q13.
Variant type: single nucleotide variant.
Coding change: c.219A>C on transcript NM_004336.5 (MANE Select); coding-DNA position 219, A replaced by C.
Protein change: p.Leu73Phe; replaces leucine 73 with phenylalanine.
Molecular consequence: missense variant.
Genome position (GRCh38, 1-based): chr2:110,674,092, T>G on the plus strand (A>C on the coding strand, the complement: BUB1 is on the minus strand). VCF-style: chr2-110674092-T-G. GRCh37 (hg19) VCF-style: chr2-111431669-T-G.
Other names: c.159A>C, p.Leu53Phe (NM_001278616.2); c.219A>C, p.Leu73Phe (NM_001278617.2); short protein forms L53F, L73F.
Identifiers: ClinVar variation 3262158 (VCV003262158.1).
Genomic context (GRCh38, chr2:110,674,092, plus strand): 5'-AAGCAAAAGTACAACATGATTATAGATTTGATTATACATCTTAAGTATACTTACAAATTT[T>G]AAACAATAACTGATGAATCTTGGGTCATTGTGGTATTTCTTCTTATCTAAAAATTCCTTC-3'
Protein context (NP_004327.1, residues 63-83): HNDPRFISYC[Leu73Phe]KFAEYNSDLH